The following is an entry in ClinVar:

NM_004064.5(CDKN1B):c.279_280insT (p.Pro94fs)

Gene: CDKN1B (cyclin dependent kinase inhibitor 1B; plus strand). Cytogenetic location: 12p13.1.
Variant type: Insertion.
Coding change: c.279_280insT on transcript NM_004064.5 (MANE Select); coding-DNA positions 279 to 280, T inserted.
Protein change: p.Pro94fs; shifts the reading frame from proline 94.
Molecular consequence: frameshift variant.
Genome position: GRCh38 VCF-style: chr12-12718118-G-GT. GRCh37 (hg19) VCF-style: chr12-12871052-G-GT.
Other names: c.279_280insT (NM_004064.3); short protein forms P94fs.
Identifiers: ClinVar variation 157519 (VCV000157519.2), dbSNP rs797044482, ClinGen allele CA212534.

ClinVar aggregate classification (germline): Pathogenic. Review status: criteria provided, single submitter (1 of 4 stars). 2 submissions from 2 submitters: Pathogenic (1). 1 of the submissions does not count toward it. Last evaluated 2025-06-05.

Conditions:
Neuroendocrine neoplasm. Identifiers: Orphanet 877, MedGen C0206754, MONDO:0019496, HP:0100634, MeSH D018358.
Hereditary cancer-predisposing syndrome. Also called: Hereditary Cancer Syndrome; Neoplastic Syndromes, Hereditary; Hereditary neoplastic syndrome; Tumor predisposition. Identifiers: Orphanet 140162, MedGen C0027672, MeSH D009386, MONDO:0015356.

Submissions (2):

Ambry Genetics
Classification: Pathogenic for Hereditary cancer-predisposing syndrome. Last evaluated: 2025-06-05. Review status: criteria provided, single submitter. Criteria: Ambry Variant Classification Scheme 2023. Collection method: clinical testing. Allele origin: germline.
Comment: The c.279_280insT pathogenic mutation, located in coding exon 1 of the CDKN1B gene, results from an insertion of one nucleotide at position 279, causing a translational frameshift with a predicted alternate stop codon (p.P94Sfs*31). This variant is considered to be rare based on population cohorts in the Genome Aggregation Database (gnomAD). This alteration is expected to result in loss of function by premature protein truncation or nonsense-mediated mRNA decay. As such, this alteration is interpreted as a disease-causing mutation.

James Howe Lab, University of Iowa Hospital and Clinics
Classification: Likely pathogenic for Neuroendocrine neoplasm. Last evaluated: 2014-09-05. Review status: no assertion criteria provided. Collection method: research. Allele origin: somatic. Affected: yes. Observed: 1 variant allele. Not counted in ClinVar's aggregate classification.
Comment: Analysis of CDKN1B mutations in 86 patients with small bowel neuroendocrine tumors and 68 patients with pancreas neuroendocrine tumors.